The following is an entry in ClinVar:

NM_001267550.2(TTN):c.11312-4845C>T

Gene: TTN (titin; minus strand). Cytogenetic location: 2q31.2.
Variant type: single nucleotide variant.
Coding change: c.11312-4845C>T on transcript NM_001267550.2 (MANE Select); 4845 bases into the intron before coding-DNA position 11312, C replaced by T.
Molecular consequence: intron variant. On other transcripts: missense variant (1).
Genome position (GRCh38, 1-based): chr2:178,746,766, G>A on the plus strand (C>T on the coding strand, the complement: TTN is on the minus strand). VCF-style: chr2-178746766-G-A. GRCh37 (hg19) VCF-style: chr2-179611493-G-A.
Other names: c.15634C>T, p.Pro5212Ser (NM_133379.5); c.10223-4845C>T (NM_003319.4); c.10799-4845C>T (NM_133437.4); c.10598-4845C>T (NM_133432.3); c.10360+6358C>T (NM_133378.4); c.10361-4845C>T (NM_001256850.1); short protein forms P5212S.
Identifiers: ClinVar variation 4848558 (VCV004848558.1).

ClinVar aggregate classification (germline): Uncertain significance (1 of 4 stars; one submission).

gnomAD v4.1: 4 of 1,613,234 alleles (0.00025%); highest among the groups gnomAD compares: African/African-American, 0.0053%; no homozygotes.

Submission:

Women's Health and Genetics/Laboratory Corporation of America, LabCorp
Classification: Uncertain significance. Last evaluated: 2026-04-29. Review status: criteria provided, single submitter. Criteria: LabCorp Variant Classification Summary - May 2015. Collection method: clinical testing. Allele origin: germline.
Comment: Variant summary: TTN NM_133379.5 c.15634C>T (p.Pro5212Ser) results in a non-conservative amino acid change in the encoded protein sequence. Algorithms developed to predict the effect of missense changes on protein structure and function all suggest that this variant is likely to be disruptive. This variant also corresponds to TTN NM_133378.4 c.10360+6358C>T and TTN NM_001267550.2 c.11312-4845C>T where it is located at a position not widely known to affect splicing. Consensus agreement among computation tools predict no significant impact on normal splicing. However, these predictions have yet to be confirmed by functional studies. The variant allele was found at a frequency of 4e-06 in 250744 control chromosomes. The available data on variant occurrences in the general population are insufficient to allow any conclusion about variant significance. To our knowledge, no occurrence of this variant in individuals affected with TTN-related conditions and no experimental evidence demonstrating its impact on protein function have been reported. No submitters have cited clinical-significance assessments for this variant to ClinVar. Based on the evidence outlined above, the variant was classified as uncertain significance.